The following is an entry in ClinVar:

NM_000020.3(ACVRL1):c.1055C>T (p.Ala352Val)

Gene: ACVRL1 (activin A receptor like type 1; plus strand). Cytogenetic location: 12q13.13.
Variant type: single nucleotide variant.
Coding change: c.1055C>T on transcript NM_000020.3 (MANE Select); coding-DNA position 1055, C replaced by T.
Protein change: p.Ala352Val; replaces alanine 352 with valine.
Molecular consequence: missense variant. On other transcripts: intron variant (1).
Genome position (GRCh38, 1-based): chr12:51,916,042, C>T. VCF-style: chr12-51916042-C-T. GRCh37 (hg19) VCF-style: chr12-52309826-C-T.
Other names: c.1055C>T, p.Ala352Val (NM_001077401.2, NM_001406487.1, NM_001406488.1 and 1 more transcripts); c.743C>T, p.Ala248Val (NM_001406490.1, NM_001406491.1, NM_001406492.1 and 1 more transcripts); c.491C>T, p.Ala164Val (NM_001406495.1); c.736+542C>T (NM_001406494.1); short protein forms A248V, A164V, A352V.
Identifiers: ClinVar variation 2750999 (VCV002750999.3), dbSNP rs1085307415, ClinGen allele CA384901991.

ClinVar aggregate classification (germline): Likely pathogenic (1 of 4 stars; one submission).

Conditions:
Telangiectasia, hereditary hemorrhagic, type 2 (HHT2). Also called: Telangiectasia, hereditary hemorrhagic, type II; ACVRL1-Related Hereditary Hemorrhagic Telangiectasia. Identifiers: Orphanet 774, MedGen C1838163, MONDO:0010880, OMIM 600376. Disease mechanism: loss of function.

Submission:

Labcorp Genetics (formerly Invitae), Labcorp
Classification: Likely pathogenic for Telangiectasia, hereditary hemorrhagic, type 2. Last evaluated: 2023-08-08. Review status: criteria provided, single submitter. Criteria: Invitae Variant Classification Sherloc (09022015). Collection method: clinical testing. Allele origin: germline.
Comment: This variant is not present in population databases (gnomAD no frequency). This sequence change replaces alanine, which is neutral and non-polar, with valine, which is neutral and non-polar, at codon 352 of the ACVRL1 protein (p.Ala352Val). This variant has not been reported in the literature in individuals affected with ACVRL1-related conditions. In summary, the currently available evidence indicates that the variant is pathogenic, but additional data are needed to prove that conclusively. Therefore, this variant has been classified as Likely Pathogenic. This variant disrupts the p.Ala352 amino acid residue in ACVRL1. Other variant(s) that disrupt this residue have been determined to be pathogenic (PMID: 16690726, 19357124; Invitae). This suggests that this residue is clinically significant, and that variants that disrupt this residue are likely to be disease-causing. Advanced modeling of protein sequence and biophysical properties (such as structural, functional, and spatial information, amino acid conservation, physicochemical variation, residue mobility, and thermodynamic stability) performed at Invitae indicates that this missense variant is expected to disrupt ACVRL1 protein function.

Literature cited by the submitters: PubMed 16690726; PubMed 19357124.